The following is an entry in ClinVar:

ClinVar aggregate classification (germline): Uncertain significance (1 of 4 stars; one submission).

Conditions:
Polycystic kidney disease 4 (PKD4). Also called: POLYCYSTIC KIDNEY DISEASE 4 WITH OR WITHOUT POLYCYSTIC LIVER DISEASE; PKD3; POLYCYSTIC KIDNEY AND HEPATIC DISEASE 1; POLYCYSTIC KIDNEY DISEASE, INFANTILE, TYPE I; Autosomal Recessive Polycystic Kidney Disease – PKHD1. Identifiers: MedGen C4540575, MONDO:0033004, OMIM 263200.

Submission:

MVZ Medizinische Genetik Mainz
Classification: Uncertain significance for Polycystic kidney disease 4. Last evaluated: 2022-08-08. Review status: criteria provided, single submitter. Criteria: UK Practice Guidelines For Variant Classification V4 01 2020. Collection method: clinical testing. Allele origin: germline. Inheritance: Autosomal recessive inheritance. Affected: yes. Observed: 1 variant allele.
Comment: ACMG Criteria: PM2_SUP, PM3_SUP, PP3, PP4 (ACMG Version 4)

NM_138694.4(PKHD1):c.907T>C (p.Ser303Pro)

Gene: PKHD1 (PKHD1 ciliary IPT domain containing fibrocystin/polyductin; minus strand). Cytogenetic location: 6p12.2.
Variant type: single nucleotide variant.
Coding change: c.907T>C on transcript NM_138694.4 (MANE Select); coding-DNA position 907, T replaced by C.
Protein change: p.Ser303Pro; replaces serine 303 with proline.
Molecular consequence: missense variant.
Genome position (GRCh38, 1-based): chr6:52,065,024, A>G on the plus strand (T>C on the coding strand, the complement: PKHD1 is on the minus strand). VCF-style: chr6-52065024-A-G. GRCh37 (hg19) VCF-style: chr6-51929822-A-G.
Other names: c.907T>C, p.Ser303Pro (NM_170724.3); short protein forms S303P.
Identifiers: ClinVar variation 3236208 (VCV003236208.1), dbSNP rs2533479081, ClinGen allele CA364429679.